The following is an entry in ClinVar:

NM_012208.4(HARS2):c.324T>G (p.Tyr108Ter)

Gene: HARS2 (histidyl-tRNA synthetase 2, mitochondrial; plus strand). Cytogenetic location: 5q31.3.
Variant type: single nucleotide variant.
Coding change: c.324T>G on transcript NM_012208.4 (MANE Select); coding-DNA position 324, T replaced by G.
Protein change: p.Tyr108Ter; replaces tyrosine 108 with a stop codon.
Molecular consequence: nonsense. On other transcripts: intron variant (1).
Genome position (GRCh38, 1-based): chr5:140,694,205, T>G. VCF-style: chr5-140694205-T-G. GRCh37 (hg19) VCF-style: chr5-140073790-T-G.
Other names: c.249T>G, p.Tyr83Ter (NM_001278731.2); c.342T>G, p.Tyr114Ter (NM_001363535.2); c.114T>G, p.Tyr38Ter (NM_001363536.2); c.93+151T>G (NM_001278732.2); c.324T>G (NM_012208.2, NM_012208.3); short protein forms Y38*, Y108*, Y114*, Y83*.
Identifiers: ClinVar variation 2168774 (VCV002168774.7), dbSNP rs143687204, ClinGen allele CA3444387.

ClinVar aggregate classification (germline): Conflicting classifications of pathogenicity. Review status: criteria provided, conflicting classifications (1 of 4 stars). 4 submissions from 4 submitters: Pathogenic (1); Likely pathogenic (2); Uncertain significance (1). Last evaluated 2025-08-18.

Conditions:
HARS2-related disorder. Also called: HARS2-related condition.
HARS2-related disorders.

gnomAD v4.1: 104 of 1,613,492 alleles (0.0064%); highest among the groups gnomAD compares: Non-Finnish European, 0.0086%; no homozygotes.

Submissions (4):

PreventionGenetics, part of Exact Sciences
Classification: Uncertain significance for HARS2-related condition. Last evaluated: 2025-08-18. Review status: criteria provided, single submitter. Criteria: ACMG Guidelines, 2015. Collection method: clinical testing. Allele origin: germline.
Comment: The HARS2 c.324T>G variant is predicted to result in premature protein termination (p.Tyr108*). To our knowledge this variant has not been reported in the literature. This variant is reported in 0.0044% of alleles in individuals of European (Non-Finnish) descent in gnomAD. Although we suspect that this variant may be pathogenic, at this time, the clinical significance of this variant is uncertain due to the absence of conclusive functional and genetic evidence.

Blueprint Genetics
Classification: Likely pathogenic for HARS2-related disorders. Last evaluated: 2024-11-07. Review status: criteria provided, single submitter. Criteria: ACMG Guidelines, 2015. Collection method: clinical testing. Allele origin: germline. Affected: yes. Observed: 1 variant allele.

GeneDx
Classification: Likely pathogenic. Last evaluated: 2023-09-18. Review status: criteria provided, single submitter. Criteria: GeneDx Variant Classification Process June 2021. Collection method: clinical testing. Allele origin: germline. Affected: yes.
Comment: Nonsense variant predicted to result in protein truncation or nonsense mediated decay in a gene for which loss of function is a known mechanism of disease; Not observed at significant frequency in large population cohorts (gnomAD); Has not been previously published as pathogenic or benign to our knowledge

Labcorp Genetics (formerly Invitae), Labcorp
Classification: Pathogenic. Last evaluated: 2023-06-20. Review status: criteria provided, single submitter. Criteria: Invitae Variant Classification Sherloc (09022015). Collection method: clinical testing. Allele origin: germline.
Comment: This sequence change creates a premature translational stop signal (p.Tyr108*) in the HARS2 gene. It is expected to result in an absent or disrupted protein product. Loss-of-function variants in HARS2 are known to be pathogenic (PMID: 31827252). For these reasons, this variant has been classified as Pathogenic. ClinVar contains an entry for this variant (Variation ID: 2168774). This variant has not been reported in the literature in individuals affected with HARS2-related conditions. This variant is present in population databases (rs143687204, gnomAD 0.004%).

Literature cited by the submitters: PubMed 31827252 (cited by Labcorp Genetics (formerly Invitae), Labcorp).